The following is an entry in ClinVar:

ClinVar aggregate classification (germline): Likely pathogenic. Review status: reviewed by expert panel (3 of 4 stars). 2 submissions from 2 submitters: Likely pathogenic (1). 1 of the submissions does not count toward it. Last evaluated 2020-03-14.

Conditions:
Phenylketonuria (PKU). Also called: OLIGOPHRENIA PHENYLPYRUVICA; Phenylketonurias; Phenylketonuria (PKU); FOLLING DISEASE. Identifiers: Orphanet 716, MedGen C0031485, MONDO:0009861, OMIM 261600. Disease mechanism: loss of function.

gnomAD v4.1: 1 of 1,614,068 alleles (0.000062%); highest among the groups gnomAD compares: Non-Finnish European, 0.000085%; no homozygotes.

Submissions (2):

ClinGen PAH Variant Curation Expert Panel
Classification: Likely pathogenic for Phenylketonuria. Last evaluated: 2020-03-14. Review status: reviewed by expert panel. Criteria: ClinGen PAH ACMG Specifications v1. Collection method: curation. Allele origin: germline. Inheritance: Autosomal recessive inheritance.
Comment: The c.676C>A (p.Gln226Lys) variant in PAH has been reported in multiple individuals with PKU (BH4 deficiency excluded). (PMID 26481238, 29654578). This variant is absent in population databases. This variant was detected in trans with pathogenic variants p.Gln20* and p.Ile306Val. Computational evidence supports a deleterious effect. In summary, this variant meets criteria to be classified as likely pathogenic for PAH. PAH-specific ACMG/AMP criteria applied: PP4_Moderate, PM2, PM3_strong, PP3.

3billion
Classification: Pathogenic for Phenylketonuria. Last evaluated: 2022-01-03. Review status: criteria provided, single submitter. Criteria: ACMG Guidelines, 2015. Collection method: clinical testing. Allele origin: germline. Affected: yes. Observed: 1 heterozygote. Not counted in ClinVar's aggregate classification.
Comment: Same nucleotide change resulting in same amino acid change has been previously reported as pathogenic/likely pathogenic with strong evidence (ClinVar ID: VCV000932251, PMID:26481238, PS1_S). The variant has been reported to be in trans with a pathogenic variant as either compound heterozygous or homozygous in at least 2 similarly affected unrelated individuals(PMID: 26481238, 29654578, PM3_S). Functional studies provide strong evidence of the variant having a damaging effect on the gene or gene product (PMID: 29654578, PS3_S). A different missense change at the same codon has been reported to be associated with PAH related disorder (PMID:11678552, PM5_P). In silico tool predictions suggest damaging effect of the variant on gene or gene product (REVEL: 0.868, 3CNET: 0.989, PP3_P). A missense variant is a common mechanism associated with Phenylketonuria; PKU (PP2_P). It is not observed in the gnomAD v2.1.1 dataset (PM2_M). Therefore, this variant is classified as pathogenic according to the recommendation of ACMG/AMP guideline.

Literature cited by the submitters: PubMed 29654578 (cited by ClinGen PAH Variant Curation Expert Panel and 3billion); PubMed 26481238 (cited by ClinGen PAH Variant Curation Expert Panel and 3billion); PubMed 11678552 (cited by 3billion).

NM_000277.3(PAH):c.676C>A (p.Gln226Lys)

Gene: PAH (phenylalanine hydroxylase; minus strand). Cytogenetic location: 12q23.2.
Variant type: single nucleotide variant.
Coding change: c.676C>A on transcript NM_000277.3 (MANE Select); coding-DNA position 676, C replaced by A.
Protein change: p.Gln226Lys; replaces glutamine 226 with lysine.
Molecular consequence: missense variant.
Genome position (GRCh38, 1-based): chr12:102,855,166, G>T on the plus strand (C>A on the coding strand, the complement: PAH is on the minus strand). VCF-style: chr12-102855166-G-T. GRCh37 (hg19) VCF-style: chr12-103248944-G-T.
Other names: c.676C>A, p.Gln226Lys (NM_001354304.2); short protein forms Q226K.
Identifiers: ClinVar variation 932251 (VCV000932251.2), dbSNP rs62508696, ClinGen allele CA16020836.